The following is an entry in ClinVar:

NM_024426.6(WT1):c.83G>A (p.Gly28Glu)

Genes: WT1 (WT1 transcription factor; minus strand), LOC107982234 (WT1/WT1-AS bi-directional promoter region; plus strand). Cytogenetic location: 11p13.
Variant type: single nucleotide variant.
Coding change: c.83G>A on transcript NM_024426.6 (MANE Select); coding-DNA position 83, G replaced by A.
Protein change: p.Gly28Glu; replaces glycine 28 with glutamic acid.
Molecular consequence: missense variant. On other transcripts: non-coding transcript variant (1).
Genome position (GRCh38, 1-based): chr11:32,435,278, C>T on the plus strand (G>A on the coding strand, the complement: WT1 is on the minus strand). VCF-style: chr11-32435278-C-T. GRCh37 (hg19) VCF-style: chr11-32456824-C-T.
Other names: c.83G>A, p.Gly28Glu (NM_000378.6, NM_024424.5); short protein forms G28E.
Identifiers: ClinVar variation 241487 (VCV000241487.15), dbSNP rs751641518, ClinGen allele CA065499.
Genomic context (GRCh38, chr11:32,435,278, plus strand): 5'-AACTTGGCCCAGATGCCGCCCGGGTCCCGGACTCCCTGCTGCTCTGGCTGCTGTAGGCAC[C>T]CAGGCCCGGAGCGGAGCGTGTGCTGAGACGCCGGCTCCGGGACACACGTGGAAGCCGGGT-3'
Protein context (NP_077744.4, residues 18-38): ASQHTLRSGP[Gly28Glu]CLQQPEQQGV

ClinVar aggregate classification (germline): Conflicting classifications of pathogenicity. Review status: criteria provided, conflicting classifications (1 of 4 stars). 7 submissions from 5 submitters: Uncertain significance (5); Likely benign (2). Last evaluated 2025-12-22.

Conditions:
Inborn genetic diseases. Identifiers: MedGen C0950123, MeSH D030342.
Frasier syndrome. Identifiers: Orphanet 347, MedGen C0950122, MeSH D052159, MONDO:0007635, OMIM 136680.
Wilms tumor 1 (WT1). Also called: Wilms tumor, somatic. Identifiers: Orphanet 654, MedGen CN033288, MONDO:0008679, OMIM 194070.
11p partial monosomy syndrome (WAGR). Also called: WAGR Complex; WAGR Spectrum Disorder; CHROMOSOME 11p13 DELETION SYNDROME; WAGR syndrome. Identifiers: Orphanet 893, MedGen C0206115, MONDO:0008681, OMIM 194072.
Drash syndrome (DDS). Also called: NEPHROPATHY, WILMS TUMOR, AND GENITAL ANOMALIES; WILMS TUMOR AND PSEUDO- OR TRUE HERMAPHRODITISM. Identifiers: Orphanet 220, MedGen C0950121, MONDO:0008682, OMIM 194080.
Meacham syndrome. Also called: Meacham Winn Culler syndrome. Identifiers: Orphanet 3097, MedGen C1837026, MONDO:0012164, OMIM 608978.
Mesothelioma, malignant (MESOM). Also called: Malignant mesothelioma (disease). Identifiers: Orphanet 50251, MedGen C0345967, MONDO:0006292, OMIM 156240, HP:0100001.
Nephrotic syndrome, type 4 (NPHS4). Also called: Familial mesangial sclerosis; Nephrotic syndrome, early onset with diffuse mesangial sclerosis. Identifiers: Orphanet 656, MedGen C3151568, MONDO:0009733, OMIM 256370.

Allele frequency attached by ClinVar (database versions not stated): gnomAD 0.00001; gnomAD exomes 0.00001 and 0.00007; TOPMed 0.00002; ExAC 0.00009.
gnomAD v4.1: 28 of 1,534,266 alleles (0.0018%); highest among the groups gnomAD compares: Non-Finnish European, 0.00026%; no homozygotes.

Submissions (7):

Labcorp Genetics (formerly Invitae), Labcorp
Classification: Likely benign for Wilms tumor 1; Drash syndrome; 11p partial monosomy syndrome; Frasier syndrome. Last evaluated: 2025-12-22. Review status: criteria provided, single submitter. Criteria: Invitae Variant Classification Sherloc (09022015). Collection method: clinical testing. Allele origin: germline.

GeneDx
Classification: Uncertain significance. Last evaluated: 2025-03-09. Review status: criteria provided, single submitter. Criteria: GeneDx Variant Classification Process June 2021. Collection method: clinical testing. Allele origin: germline.
Comment: In silico analysis indicates that this missense variant does not alter protein structure/function; Has not been previously published as pathogenic or benign to our knowledge

Ambry Genetics
Classification: Likely benign for Inborn genetic diseases. Last evaluated: 2024-12-17. Review status: criteria provided, single submitter. Criteria: Ambry Variant Classification Scheme 2023. Collection method: clinical testing. Allele origin: germline.

Fulgent Genetics
Classification: Uncertain significance for Frasier syndrome; Mesothelioma, malignant; Wilms tumor 1; Drash syndrome; Nephrotic syndrome, type 4; Meacham syndrome. Last evaluated: 2024-03-12. Review status: criteria provided, single submitter. Criteria: ACMG Guidelines, 2015. Collection method: clinical testing. Allele origin: germline.

Illumina Laboratory Services, Illumina
Classification: Uncertain significance for Wilms tumor 1. Last evaluated: 2018-01-12. Review status: criteria provided, single submitter. Criteria: ICSL Variant Classification Criteria 13 December 2019. Collection method: clinical testing. Allele origin: germline.

Illumina Laboratory Services, Illumina
Classification: Uncertain significance for Nephrotic syndrome, type 4. Last evaluated: 2018-01-12. Review status: criteria provided, single submitter. Criteria: ICSL Variant Classification Criteria 13 December 2019. Collection method: clinical testing. Allele origin: germline.

Illumina Laboratory Services, Illumina
Classification: Uncertain significance for Meacham syndrome. Last evaluated: 2018-01-12. Review status: criteria provided, single submitter. Criteria: ICSL Variant Classification Criteria 13 December 2019. Collection method: clinical testing. Allele origin: germline.